The following is an entry in ClinVar:

NM_017813.5(BPNT2):c.153G>A (p.Gly51=)

Genes: BPNT2 (3'(2'), 5'-bisphosphate nucleotidase 2; minus strand), LOC130000433 (ATAC-STARR-seq lymphoblastoid silent region 19212; plus strand). Cytogenetic location: 8q12.1.
Variant type: single nucleotide variant.
Coding change: c.153G>A on transcript NM_017813.5 (MANE Select); coding-DNA position 153, G replaced by A.
Protein change: p.Gly51=; no amino-acid change (glycine 51 retained).
Molecular consequence: synonymous variant.
Genome position (GRCh38, 1-based): chr8:56,993,433, C>T on the plus strand (G>A on the coding strand, the complement: BPNT2 is on the minus strand). VCF-style: chr8-56993433-C-T. GRCh37 (hg19) VCF-style: chr8-57905992-C-T.
Other names: c.153G>A (NM_017813.4).
Identifiers: ClinVar variation 1681108 (VCV001681108.9), dbSNP rs771799837, ClinGen allele CA4755997.

ClinVar aggregate classification (germline): Likely benign. Review status: criteria provided, multiple submitters, no conflicts (2 of 4 stars). 2 submissions from 2 submitters: Likely benign (2). Last evaluated 2024-11-04.

Conditions:
BPNT2-related disorder. Also called: BPNT2-related condition.

gnomAD v4.1: 151 of 1,479,732 alleles (0.01%); highest among the groups gnomAD compares: Middle Eastern, 0.018%; no homozygotes.

Submissions (2):

PreventionGenetics, part of Exact Sciences
Classification: Likely benign for BPNT2-related condition. Last evaluated: 2024-11-04. Review status: criteria provided, single submitter. Criteria: ACMG Guidelines, 2015. Collection method: clinical testing. Allele origin: germline.
Comment: This variant is classified as likely benign based on ACMG/AMP sequence variant interpretation guidelines (Richards et al. 2015 PMID: 25741868, with internal and published modifications).

Labcorp Genetics (formerly Invitae), Labcorp
Classification: Likely benign. Last evaluated: 2023-12-11. Review status: criteria provided, single submitter. Criteria: Invitae Variant Classification Sherloc (09022015). Collection method: clinical testing. Allele origin: germline.